The following is an entry in ClinVar:

NM_005908.4(MANBA):c.320C>A (p.Ser107Ter)

Gene: MANBA (mannosidase beta; minus strand). Cytogenetic location: 4q24.
Variant type: single nucleotide variant.
Coding change: c.320C>A on transcript NM_005908.4 (MANE Select); coding-DNA position 320, C replaced by A.
Protein change: p.Ser107Ter; replaces serine 107 with a stop codon.
Molecular consequence: nonsense.
Genome position (GRCh38, 1-based): chr4:102,723,920, G>T on the plus strand (C>A on the coding strand, the complement: MANBA is on the minus strand). VCF-style: chr4-102723920-G-T. GRCh37 (hg19) VCF-style: chr4-103645077-G-T.
Other names: short protein forms S107*.
Identifiers: ClinVar variation 2916452 (VCV002916452.4), dbSNP rs1054688954, ClinGen allele CA103130105.

ClinVar aggregate classification (germline): Pathogenic (1 of 4 stars; one submission).

Conditions:
Beta-D-mannosidosis (MANSB). Also called: Beta-Mannosidosis; MANNOSIDOSIS, BETA A, LYSOSOMAL; BETA-MANNOSIDASE DEFICIENCY; LYSOSOMAL BETA-MANNOSIDASE DEFICIENCY. Identifiers: Orphanet 118, MedGen C4048196, MONDO:0009562, OMIM 248510.

Allele frequency attached by ClinVar (database versions not stated): gnomAD exomes below 0.00001; gnomAD 0.00001.
gnomAD v4.1: 3 of 1,611,386 alleles (0.00019%); highest among the groups gnomAD compares: African/African-American, 0.0013%; no homozygotes.

Submission:

Labcorp Genetics (formerly Invitae), Labcorp
Classification: Pathogenic for Beta-D-mannosidosis. Last evaluated: 2023-08-03. Review status: criteria provided, single submitter. Criteria: Invitae Variant Classification Sherloc (09022015). Collection method: clinical testing. Allele origin: germline.
Comment: This sequence change creates a premature translational stop signal (p.Ser107*) in the MANBA gene. It is expected to result in an absent or disrupted protein product. Loss-of-function variants in MANBA are known to be pathogenic (PMID: 9384606, 12468273). This variant is not present in population databases (gnomAD no frequency). This variant has not been reported in the literature in individuals affected with MANBA-related conditions. For these reasons, this variant has been classified as Pathogenic.

Literature cited by the submitters: PubMed 9384606; PubMed 12468273.